The following is an entry in ClinVar:

NM_002047.4(GARS1):c.628G>T (p.Glu210Ter)

Gene: GARS1 (glycyl-tRNA synthetase 1; plus strand). Cytogenetic location: 7p14.3.
Variant type: single nucleotide variant.
Coding change: c.628G>T on transcript NM_002047.4 (MANE Select); coding-DNA position 628, G replaced by T.
Protein change: p.Glu210Ter; replaces glutamic acid 210 with a stop codon.
Molecular consequence: nonsense.
Genome position (GRCh38, 1-based): chr7:30,603,092, G>T. VCF-style: chr7-30603092-G-T. GRCh37 (hg19) VCF-style: chr7-30642708-G-T.
Other names: c.466G>T, p.Glu156Ter (NM_001316772.1); short protein forms E156*, E210*.
Identifiers: ClinVar variation 1680906 (VCV001680906.5), dbSNP rs1791412752, ClinGen allele CA367139782.

ClinVar aggregate classification (germline): Uncertain significance (1 of 4 stars; one submission).

Conditions:
Charcot-Marie-Tooth disease type 2. Also called: Charcot-Marie-Tooth type 2. Identifiers: Orphanet 64746, MedGen C0270914, MONDO:0018993.

Allele frequency attached by ClinVar (database versions not stated): gnomAD exomes below 0.00001.
gnomAD v4.1: 1 of 1,613,838 alleles (0.000062%); highest among the groups gnomAD compares: Non-Finnish European, 0.000085%; no homozygotes.

Submission:

Labcorp Genetics (formerly Invitae), Labcorp
Classification: Uncertain significance for Charcot-Marie-Tooth disease type 2. Last evaluated: 2021-07-05. Review status: criteria provided, single submitter. Criteria: Invitae Variant Classification Sherloc (09022015). Collection method: clinical testing. Allele origin: germline.
Comment: This sequence change creates a premature translational stop signal (p.Glu210*) in the GARS gene. It is expected to result in an absent or disrupted protein product. However, the current clinical and genetic evidence is not sufficient to establish whether loss-of-function variants in GARS cause disease. In summary, the available evidence is currently insufficient to determine the role of this variant in disease. Therefore, it has been classified as a Variant of Uncertain Significance. This variant has not been reported in the literature in individuals affected with GARS-related conditions. This variant is not present in population databases (ExAC no frequency).